The following is an entry in ClinVar:

NM_015100.4(POGZ):c.1249G>A (p.Val417Ile)

Gene: POGZ (pogo transposable element derived with ZNF domain; minus strand). Cytogenetic location: 1q21.3.
Variant type: single nucleotide variant.
Coding change: c.1249G>A on transcript NM_015100.4 (MANE Select); coding-DNA position 1249, G replaced by A.
Protein change: p.Val417Ile; replaces valine 417 with isoleucine.
Molecular consequence: missense variant.
Genome position (GRCh38, 1-based): chr1:151,424,223, C>T on the plus strand (G>A on the coding strand, the complement: POGZ is on the minus strand). VCF-style: chr1-151424223-C-T. GRCh37 (hg19) VCF-style: chr1-151396699-C-T.
Other names: c.1222G>A, p.Val408Ile (NM_001194937.2); c.1063G>A, p.Val355Ile (NM_001194938.2); c.1270G>A, p.Val424Ile (NM_001410860.1); c.964G>A, p.Val322Ile (NM_145796.4); c.1090G>A, p.Val364Ile (NM_207171.2); short protein forms V322I, V355I, V364I, V408I, V417I, V424I.
Identifiers: ClinVar variation 5037317 (VCV005037317.1).

ClinVar aggregate classification (germline): Uncertain significance (1 of 4 stars; one submission).

Submission:

GeneDx
Classification: Uncertain significance. Last evaluated: 2026-04-16. Review status: criteria provided, single submitter. Criteria: GeneDx Variant Classification Process June 2021. Collection method: clinical testing. Allele origin: germline.
Comment: Not observed at significant frequency in large population cohorts (gnomAD); In silico analysis suggests that this missense variant does not alter protein structure/function; Has not been previously published as pathogenic or benign to our knowledge